The following is an entry in ClinVar:

ClinVar aggregate classification (germline): Uncertain significance (1 of 4 stars; one submission).

Submission:

Labcorp Genetics (formerly Invitae), Labcorp
Classification: Uncertain significance. Last evaluated: 2022-08-17. Review status: criteria provided, single submitter. Criteria: Invitae Variant Classification Sherloc (09022015). Collection method: clinical testing. Allele origin: germline.
Comment: This sequence change replaces serine, which is neutral and polar, with phenylalanine, which is neutral and non-polar, at codon 223 of the AMH protein (p.Ser223Phe). The frequency data for this variant in the population databases is considered unreliable, as metrics indicate poor data quality at this position in the gnomAD database. This variant has not been reported in the literature in individuals affected with AMH-related conditions. Algorithms developed to predict the effect of missense changes on protein structure and function are either unavailable or do not agree on the potential impact of this missense change (SIFT: "Not Available"; PolyPhen-2: "Benign"; Align-GVGD: "Not Available"). In summary, the available evidence is currently insufficient to determine the role of this variant in disease. Therefore, it has been classified as a Variant of Uncertain Significance.

NM_000479.5(AMH):c.668C>T (p.Ser223Phe)

Gene: AMH (anti-Mullerian hormone; plus strand). Cytogenetic location: 19p13.3.
Variant type: single nucleotide variant.
Coding change: c.668C>T on transcript NM_000479.5 (MANE Select); coding-DNA position 668, C replaced by T.
Protein change: p.Ser223Phe; replaces serine 223 with phenylalanine.
Molecular consequence: missense variant.
Genome position (GRCh38, 1-based): chr19:2,250,852, C>T. VCF-style: chr19-2250852-C-T. GRCh37 (hg19) VCF-style: chr19-2250851-C-T.
Other names: short protein forms S223F.
Identifiers: ClinVar variation 1716642 (VCV001716642.5), dbSNP rs1208655844, ClinGen allele CA403240773.
Genomic context (GRCh38, chr19:2,250,852, plus strand): 5'-GGTCGACTGCCCCCGGGCCCCCAGCCCCTGAGCCAGCCGCGTGCCCACCCACCGCAGACT[C>T]CCGGCTGAGTACCGCCCGGCTGCAGGCACTGCTGTTCGGCGACGACCACCGCTGCTTCAC-3'
Protein context (NP_000470.3, residues 213-233): ALTLQPRGED[Ser223Phe]RLSTARLQAL